The following is an entry in ClinVar:

NM_001457.4(FLNB):c.5285-271G>C

Gene: FLNB (filamin B; plus strand). Cytogenetic location: 3p14.3.
Variant type: single nucleotide variant.
Coding change: c.5285-271G>C on transcript NM_001457.4 (MANE Select); 271 bases into the intron before coding-DNA position 5285, G replaced by C.
Molecular consequence: intron variant.
Genome position (GRCh38, 1-based): chr3:58,143,202, G>C. VCF-style: chr3-58143202-G-C. GRCh37 (hg19) VCF-style: chr3-58128929-G-C.
Other names: c.5378-271G>C (NM_001164317.2); c.5252-271G>C (NM_001164318.2); c.5213-271G>C (NM_001164319.2).
Identifiers: ClinVar variation 683140 (VCV000683140.2), dbSNP rs9863375, ClinGen allele CA15244257.
Genomic context (GRCh38, chr3:58,143,202, plus strand): 5'-CTTTTCAATGGCCCACTTCTCTTTGGTTTGATGCTCTATGTATCCAGCTGGTTTCATGGT[G>C]TTCTCAAGTCCTTTCTGAGCTTGATTTTGCCAGTTGTAGAAAACTCTTTAAGAGTTGTCT-3'

ClinVar aggregate classification (germline): Benign. Review status: criteria provided, multiple submitters, no conflicts (2 of 4 stars). 2 submissions from 2 submitters: Benign (2). Last evaluated 2018-06-14.

Allele frequency attached by ClinVar (database versions not stated): 1000 Genomes Project 30x 0.21830; 1000 Genomes Project 0.22085; TOPMed 0.30558; gnomAD 0.31681.
gnomAD v4.1: 47,504 of 151,620 alleles (31%); highest among the groups gnomAD compares: Non-Finnish European, 38%; 7,969 homozygotes.

Submissions (2):

GeneDx
Classification: Benign. Last evaluated: 2018-06-14. Review status: criteria provided, single submitter. Criteria: GeneDx Variant Classification (06012015). Collection method: clinical testing. Allele origin: germline. Affected: yes.
Comment: This variant is considered likely benign or benign based on one or more of the following criteria: it is a conservative change, it occurs at a poorly conserved position in the protein, it is predicted to be benign by multiple in silico algorithms, and/or has population frequency not consistent with disease.

Breakthrough Genomics
Classification: Benign. Review status: criteria provided, single submitter. Criteria: ACMG Guidelines, 2015. Collection method: not provided. Allele origin: germline. Inheritance: Autosomal recessive inheritance. Affected: yes.